The following is an entry in ClinVar:

ClinVar aggregate classification (germline): Benign. Review status: criteria provided, single submitter (1 of 4 stars). 2 submissions from 1 submitter: Benign (2). Last evaluated 2018-01-13.

Conditions:
Cone-rod dystrophy 11 (CORD11). Identifiers: Orphanet 1872, MedGen C1835865, MONDO:0012483, OMIM 610381.
Age related macular degeneration 6. Identifiers: MedGen C3151060, MONDO:0013406, OMIM 613757.

Allele frequency attached by ClinVar (database versions not stated): gnomAD 0.01272 and 0.01352; 1000 Genomes Project 0.01298; TOPMed 0.01321; 1000 Genomes Project 30x 0.01359.

Submissions (2):

Illumina Laboratory Services, Illumina
Classification: Benign for Cone-rod dystrophy 11. Last evaluated: 2018-01-13. Review status: criteria provided, single submitter. Criteria: ICSL Variant Classification Criteria 13 December 2019. Collection method: clinical testing. Allele origin: germline.
Comment: This variant was observed in the ICSL laboratory as part of a predisposition screen in an ostensibly healthy population. It had not been previously curated by ICSL or reported in the Human Gene Mutation Database (HGMD: prior to June 1st, 2018), and was therefore a candidate for classification through an automated scoring system. Utilizing variant allele frequency, disease prevalence and penetrance estimates, and inheritance mode, an automated score was calculated to assess if this variant is too frequent to cause the disease. Based on the score and internal cut-off values, a variant classified as benign is not then subjected to further curation. The score for this variant resulted in a classification of benign for this disease.

Illumina Laboratory Services, Illumina
Classification: Benign for Age related macular degeneration 6. Last evaluated: 2018-01-13. Review status: criteria provided, single submitter. Criteria: ICSL Variant Classification Criteria 13 December 2019. Collection method: clinical testing. Allele origin: germline.
Comment: the same text as in the submission from Illumina Laboratory Services, Illumina above.

NM_001319074.4(RAX2):c.*647T>C

Gene: RAX2 (retina and anterior neural fold homeobox 2; minus strand). Cytogenetic location: 19p13.3.
Variant type: single nucleotide variant.
Coding change: c.*647T>C on transcript NM_001319074.4 (MANE Select); 647 bases downstream of the stop codon, T replaced by C.
Molecular consequence: 3 prime UTR variant.
Genome position (GRCh38, 1-based): chr19:3,769,974, A>G on the plus strand (T>C on the coding strand, the complement: RAX2 is on the minus strand). VCF-style: chr19-3769974-A-G. GRCh37 (hg19) VCF-style: chr19-3769972-A-G.
Other names: c.*647T>C (NM_032753.4).
Identifiers: ClinVar variation 892439 (VCV000892439.4), dbSNP rs112369501, ClinGen allele CA14729978.